The following is an entry in ClinVar:

NM_007286.6(SYNPO):c.2372CCCCGC[2] (p.Pro795_Pro800del)

Genes: SYNPO (synaptopodin; plus strand), LOC129995011 (ATAC-STARR-seq lymphoblastoid silent region 16516; plus strand). Cytogenetic location: 5q33.1.
Variant type: Microsatellite.
Coding change: c.2372CCCCGC[2] on transcript NM_007286.6 (MANE Select); two copies in a row of the 6-base unit CCCCGC starting at c.2372; the reference has five copies in a row; three copies, 18 bases deleted.
Protein change: p.Pro795_Pro800del.
Molecular consequence: inframe deletion.
Genome position (GRCh38, 1-based): chr5:150,656,759-150,656,776, CCCCGCCCCCGCCCCCGC deleted; deleting any 18 consecutive bases within chr5:150,656,743-150,656,776 gives the same sequence; the position shown is the placement nearest the transcript's 3' end. VCF-style (leftmost placement, unchanged base first): chr5-150656742-ACCGCCCCCGCCCCCGCCC-A. GRCh37 (hg19) VCF-style: chr5-150036304-ACCGCCCCCGCCCCCGCCC-A.
Other names: c.2384_2401del18 (NM_007286.5).
Identifiers: ClinVar variation 2048239 (VCV002048239.26), dbSNP rs769259449, ClinGen allele CA3513607.
Genomic context (GRCh38, chr5:150,656,742, plus strand): 5'-CGCCTCCCCGCGGTCGGCGGGCGCCGAGAACCCGCGGCCCTTCTCCCCGCCGAGGGCGCC[ACCGCCCCCGCCCCCGCCC>A]CCGCCCCCGCCCCCGCGCATGCGCTCGCCACAGCCCGCCCGCCCCGGCTCGGCTGCTGTG-3'

ClinVar aggregate classification (germline): Conflicting classifications of pathogenicity. Review status: criteria provided, conflicting classifications (1 of 4 stars). 3 submissions from 3 submitters: Uncertain significance (1); Likely benign (1). 1 of the submissions does not count toward it. Last evaluated 2025-09-14.

Conditions:
SYNPO-related disorder. Also called: SYNPO-related condition.

Submissions (3):

Labcorp Genetics (formerly Invitae), Labcorp
Classification: Uncertain significance. Last evaluated: 2025-09-14. Review status: criteria provided, single submitter. Criteria: Invitae Variant Classification Sherloc (09022015). Collection method: clinical testing. Allele origin: germline.
Comment: This variant, c.2384_2401del, results in the deletion of 6 amino acid(s) of the SYNPO protein (p.Pro795_Pro800del), but otherwise preserves the integrity of the reading frame. The frequency data for this variant in the population databases is considered unreliable, as metrics indicate poor data quality at this position in the gnomAD database. This variant has not been reported in the literature in individuals affected with SYNPO-related conditions. Experimental studies and prediction algorithms are not available or were not evaluated, and the functional significance of this variant is currently unknown. In summary, the available evidence is currently insufficient to determine the role of this variant in disease. Therefore, it has been classified as a Variant of Uncertain Significance.

CeGaT Center for Human Genetics Tuebingen
Classification: Likely benign. Last evaluated: 2024-03-01. Review status: criteria provided, single submitter. Criteria: CeGaT Center For Human Genetics Tuebingen Variant Classification Criteria Version 2. Collection method: clinical testing. Allele origin: germline. Affected: yes. Observed: 1 variant allele.
Comment: SYNPO: BS1

PreventionGenetics, part of Exact Sciences
Classification: Benign for SYNPO-related condition. Last evaluated: 2022-09-30. Review status: no assertion criteria provided. Collection method: clinical testing. Allele origin: germline. Not counted in ClinVar's aggregate classification.
Comment: This variant is classified as benign based on ACMG/AMP sequence variant interpretation guidelines (Richards et al. 2015 PMID: 25741868, with internal and published modifications).